The following is an entry in ClinVar:

NM_000059.4(BRCA2):c.9072dup (p.Ile3025fs)

Gene: BRCA2 (BRCA2 DNA repair associated; plus strand). Cytogenetic location: 13q13.1.
Variant type: Duplication.
Coding change: c.9072dup on transcript NM_000059.4 (MANE Select); coding-DNA position 9072, one base duplicated (C; older notation c.9072dupC).
Protein change: p.Ile3025fs; shifts the reading frame from isoleucine 3025.
Molecular consequence: frameshift variant. On other transcripts: non-coding transcript variant (1).
Genome position (GRCh38, 1-based): chr13:32,379,868, C duplicated. VCF-style (leftmost placement, unchanged base first): chr13-32379867-A-AC. GRCh37 (hg19) VCF-style: chr13-32954004-A-AC.
Other names: c.8976dup, p.Ile2993fs (NM_001406719.1); c.9021dup, p.Ile3008fs (NM_001406720.1); c.4140dup, p.Ile1381fs (NM_001406721.1); c.2655dup, p.Ile886fs (NM_001406722.1); c.9072dup, p.Ile3025fs (NM_001432077.1); c.9072dupC (NM_000059.3); short protein forms I3025fs, I1381fs, I2993fs, I3008fs, I886fs.
Identifiers: ClinVar variation 3482128 (VCV003482128.1).
Genomic context (GRCh38, chr13:32,379,867, plus strand): 5'-AGAGATACAGAATTTATCATCTTGCAACTTCAAAATCTAAAAGTAAATCTGAAAGAGCTA[A>AC]CATACAGTTAGCAGCGACAAAAAAAACTCAGTATCAACAACTACCGGTACAAACCTTTCA-3'

ClinVar aggregate classification (germline): Pathogenic (1 of 4 stars; one submission).

Conditions:
Hereditary cancer-predisposing syndrome. Also called: Tumor predisposition; Neoplastic Syndromes, Hereditary; Hereditary Cancer Syndrome; Hereditary neoplastic syndrome. Identifiers: Orphanet 140162, MedGen C0027672, MeSH D009386, MONDO:0015356.

Submission:

Ambry Genetics
Classification: Pathogenic for Hereditary cancer-predisposing syndrome. Last evaluated: 2024-10-07. Review status: criteria provided, single submitter. Criteria: Ambry Variant Classification Scheme 2023. Collection method: clinical testing. Allele origin: germline.
Comment: The c.9072dupC pathogenic mutation, located in coding exon 22 of the BRCA2 gene, results from a duplication of C at nucleotide position 9072, causing a translational frameshift with a predicted alternate stop codon (p.I3025Hfs*19). This variant is considered to be rare based on population cohorts in the Genome Aggregation Database (gnomAD). This alteration is expected to result in loss of function by premature protein truncation or nonsense-mediated mRNA decay. As such, this alteration is interpreted as a disease-causing mutation.